The following is an entry in ClinVar:

ClinVar aggregate classification (germline): Uncertain significance (1 of 4 stars; one submission).

Conditions:
Brugada syndrome 8 (BRGDA8). Identifiers: Orphanet 130, MedGen C2751083, MONDO:0013148, OMIM 613123.

gnomAD v4.1: 1 of 1,600,732 alleles (0.000062%); highest among the groups gnomAD compares: Admixed American, 0.0017%; no homozygotes.

Submission:

Labcorp Genetics (formerly Invitae), Labcorp
Classification: Uncertain significance for Brugada syndrome 8. Last evaluated: 2024-01-02. Review status: criteria provided, single submitter. Criteria: Invitae Variant Classification Sherloc (09022015). Collection method: clinical testing. Allele origin: germline.
Comment: This sequence change replaces proline, which is neutral and non-polar, with serine, which is neutral and polar, at codon 842 of the HCN4 protein (p.Pro842Ser). This variant is not present in population databases (gnomAD no frequency). This variant has not been reported in the literature in individuals affected with HCN4-related conditions. ClinVar contains an entry for this variant (Variation ID: 1480609). Advanced modeling of protein sequence and biophysical properties (such as structural, functional, and spatial information, amino acid conservation, physicochemical variation, residue mobility, and thermodynamic stability) performed at Invitae indicates that this missense variant is not expected to disrupt HCN4 protein function with a negative predictive value of 80%. In summary, the available evidence is currently insufficient to determine the role of this variant in disease. Therefore, it has been classified as a Variant of Uncertain Significance.

NM_005477.3(HCN4):c.2524C>T (p.Pro842Ser)

Gene: HCN4 (hyperpolarization activated cyclic nucleotide gated potassium channel 4; minus strand). Cytogenetic location: 15q24.1.
Variant type: single nucleotide variant.
Coding change: c.2524C>T on transcript NM_005477.3 (MANE Select); coding-DNA position 2524, C replaced by T.
Protein change: p.Pro842Ser; replaces proline 842 with serine.
Molecular consequence: missense variant.
Genome position (GRCh38, 1-based): chr15:73,323,569, G>A on the plus strand (C>T on the coding strand, the complement: HCN4 is on the minus strand). VCF-style: chr15-73323569-G-A. GRCh37 (hg19) VCF-style: chr15-73615910-G-A.
Other names: short protein forms P842S.
Identifiers: ClinVar variation 1480609 (VCV001480609.4), dbSNP rs2151214653, ClinGen allele CA393088730.